The following is an entry in ClinVar:

ClinVar aggregate classification (germline): Uncertain significance (1 of 4 stars; one submission).

Conditions:
Hereditary cancer-predisposing syndrome. Also called: Neoplastic Syndromes, Hereditary; Tumor predisposition; Hereditary neoplastic syndrome; Hereditary Cancer Syndrome. Identifiers: Orphanet 140162, MedGen C0027672, MeSH D009386, MONDO:0015356.

Submission:

Ambry Genetics
Classification: Uncertain significance for Hereditary cancer-predisposing syndrome. Last evaluated: 2024-02-13. Review status: criteria provided, single submitter. Criteria: Ambry Variant Classification Scheme 2023. Collection method: clinical testing. Allele origin: germline.
Comment: The p.N405Y variant (also known as c.1213A>T), located in coding exon 2 of the MET gene, results from an A to T substitution at nucleotide position 1213. The asparagine at codon 405 is replaced by tyrosine, an amino acid with dissimilar properties. This amino acid position is conserved. In addition, the in silico prediction for this alteration is inconclusive. Based on the available evidence, the clinical significance of this alteration remains unclear.

NM_000245.4(MET):c.1213A>T (p.Asn405Tyr)

Gene: MET (MET proto-oncogene, receptor tyrosine kinase; plus strand). Cytogenetic location: 7q31.2.
Variant type: single nucleotide variant.
Coding change: c.1213A>T on transcript NM_000245.4 (MANE Select); coding-DNA position 1213, A replaced by T.
Protein change: p.Asn405Tyr; replaces asparagine 405 with tyrosine.
Molecular consequence: missense variant. On other transcripts: 5 prime UTR variant (1).
Genome position (GRCh38, 1-based): chr7:116,731,680, A>T. VCF-style: chr7-116731680-A-T. GRCh37 (hg19) VCF-style: chr7-116371734-A-T.
Other names: c.1213A>T, p.Asn405Tyr (NM_001127500.3, NM_001324401.3); c.-78A>T (NM_001324402.2); short protein forms N405Y.
Identifiers: ClinVar variation 3232904 (VCV003232904.1), dbSNP rs2116779448, ClinGen allele CA368972695.